The following is an entry in ClinVar:

NM_033026.6(PCLO):c.4420G>A (p.Glu1474Lys)

Gene: PCLO (piccolo presynaptic cytomatrix protein; minus strand). Cytogenetic location: 7q21.11.
Variant type: single nucleotide variant.
Coding change: c.4420G>A on transcript NM_033026.6 (MANE Select); coding-DNA position 4420, G replaced by A.
Protein change: p.Glu1474Lys; replaces glutamic acid 1474 with lysine.
Molecular consequence: missense variant.
Genome position (GRCh38, 1-based): chr7:82,956,533, C>T on the plus strand (G>A on the coding strand, the complement: PCLO is on the minus strand). VCF-style: chr7-82956533-C-T. GRCh37 (hg19) VCF-style: chr7-82585849-C-T.
Other names: c.4420G>A, p.Glu1474Lys (NM_014510.3); short protein forms E1474K.
Identifiers: ClinVar variation 1412085 (VCV001412085.3), dbSNP rs755010460, ClinGen allele CA161151290.
Genomic context (GRCh38, chr7:82,956,533, plus strand): 5'-TATGGTCCTTGCTGGAAGGAATATCTTGTTGGCTATCTTTTTTAAAAGTGTCTTTCCTTT[C>T]TTCTTGACTCTCTTTGATCTCCTCTTCTGAAATAGTAATTTCCAAGGTTTCAGATAAACT-3'
Protein context (NP_149015.2, residues 1464-1484): SEEEIKESQE[Glu1474Lys]RKDTFKKDSQ

ClinVar aggregate classification (germline): Uncertain significance (1 of 4 stars; one submission).

Allele frequency attached by ClinVar (database versions not stated): gnomAD 0.00001; gnomAD exomes 0.00002; TOPMed 0.00002.
gnomAD v4.1: 39 of 1,612,344 alleles (0.0024%); highest among the groups gnomAD compares: Non-Finnish European, 0.0029%; no homozygotes.

Submission:

Labcorp Genetics (formerly Invitae), Labcorp
Classification: Uncertain significance. Last evaluated: 2021-08-24. Review status: criteria provided, single submitter. Criteria: Invitae Variant Classification Sherloc (09022015). Collection method: clinical testing. Allele origin: germline.
Comment: This sequence change replaces glutamic acid with lysine at codon 1474 of the PCLO protein (p.Glu1474Lys). The glutamic acid residue is moderately conserved and there is a small physicochemical difference between glutamic acid and lysine. This variant is not present in population databases (ExAC no frequency). This variant has not been reported in the literature in individuals affected with PCLO-related conditions. Algorithms developed to predict the effect of missense changes on protein structure and function are either unavailable or do not agree on the potential impact of this missense change (SIFT: "Tolerated"; PolyPhen-2: "Not Available"; Align-GVGD: "Class C0"). In summary, the available evidence is currently insufficient to determine the role of this variant in disease. Therefore, it has been classified as a Variant of Uncertain Significance.